The following is an entry in ClinVar:

ClinVar aggregate classification (germline): Uncertain significance (1 of 4 stars; one submission).

gnomAD v4.1: 2 of 1,597,838 alleles (0.00013%); highest among the groups gnomAD compares: Admixed American, 0.0035%; no homozygotes.

Submission:

Ambry Genetics
Classification: Uncertain significance. Last evaluated: 2021-07-16. Review status: criteria provided, single submitter. Criteria: Ambry Variant Classification Scheme 2023. Collection method: clinical testing. Allele origin: germline.
Comment: The p.S75N variant (also known as c.224G>A), located in coding exon 2 of the PRKDC gene, results from a G to A substitution at nucleotide position 224. The serine at codon 75 is replaced by asparagine, an amino acid with highly similar properties. This amino acid position is conserved. In addition, this alteration is predicted to be tolerated by in silico analysis. Since supporting evidence is limited at this time, the clinical significance of this alteration remains unclear.

NM_006904.7(PRKDC):c.224G>A (p.Ser75Asn)

Gene: PRKDC (protein kinase, DNA-activated, catalytic subunit; minus strand). Cytogenetic location: 8q11.21.
Variant type: single nucleotide variant.
Coding change: c.224G>A on transcript NM_006904.7 (MANE Select); coding-DNA position 224, G replaced by A.
Protein change: p.Ser75Asn; replaces serine 75 with asparagine.
Molecular consequence: missense variant.
Genome position (GRCh38, 1-based): chr8:47,957,362, C>T on the plus strand (G>A on the coding strand, the complement: PRKDC is on the minus strand). VCF-style: chr8-47957362-C-T. GRCh37 (hg19) VCF-style: chr8-48869922-C-T.
Other names: c.224G>A, p.Ser75Asn (NM_001081640.2); short protein forms S75N.
Identifiers: ClinVar variation 1788401 (VCV001788401.2), dbSNP rs1271044272, ClinGen allele CA371141408.
Genomic context (GRCh38, chr8:47,957,362, plus strand): 5'-AGGAGTCACTCCAGGAATATACAAGAAAAGCAAAACCAAAATTGTCAACTTACTTCAATA[C>T]TGTTGAGTGACTTCCGGACAAATACAAGCAAACCGAAATCTCTGGAAAAAACTAAAGATG-3'
Protein context (NP_008835.5, residues 65-85): LLVFVRKSLN[Ser75Asn]IEFRECREEI